The following is an entry in ClinVar:

ClinVar aggregate classification (germline): Uncertain significance. Review status: criteria provided, multiple submitters, no conflicts (2 of 4 stars). 3 submissions from 3 submitters: Uncertain significance (3). Last evaluated 2025-12-10.

Conditions:
EGFR-related lung cancer (EGFR). Identifiers: MedGen CN130014.
Lung cancer. Also called: Lung cancer, somatic; Malignant tumor of lung. Identifiers: MedGen C0242379, MONDO:0008903, OMIM 211980.
Inflammatory skin and bowel disease, neonatal, 2 (NNCIS). Identifiers: Orphanet 294023, MedGen C4015130, MONDO:0014481, OMIM 616069.
Hereditary cancer-predisposing syndrome. Also called: Tumor predisposition; Hereditary neoplastic syndrome; Hereditary Cancer Syndrome; Neoplastic Syndromes, Hereditary. Identifiers: Orphanet 140162, MedGen C0027672, MeSH D009386, MONDO:0015356.

Allele frequency attached by ClinVar (database versions not stated): gnomAD exomes below 0.00001 and 0.00001; gnomAD 0.00001; TOPMed 0.00002; ESP Exome Variant Server 0.00008.
gnomAD v4.1: 12 of 1,614,098 alleles (0.00074%); highest among the groups gnomAD compares: African/African-American, 0.0013%; no homozygotes.

Submissions (3):

Labcorp Genetics (formerly Invitae), Labcorp
Classification: Uncertain significance for EGFR-related lung cancer. Last evaluated: 2025-12-10. Review status: criteria provided, single submitter. Criteria: Invitae Variant Classification Sherloc (09022015). Collection method: clinical testing. Allele origin: germline.
Comment: This sequence change replaces isoleucine, which is neutral and non-polar, with valine, which is neutral and non-polar, at codon 445 of the EGFR protein (p.Ile445Val). This variant is present in population databases (rs372990493, gnomAD 0.007%). This variant has not been reported in the literature in individuals affected with EGFR-related conditions. ClinVar contains an entry for this variant (Variation ID: 936647). Invitae Evidence Modeling of protein sequence and biophysical properties (such as structural, functional, and spatial information, amino acid conservation, physicochemical variation, residue mobility, and thermodynamic stability) indicates that this missense variant is not expected to disrupt EGFR protein function with a negative predictive value of 80%. In summary, the available evidence is currently insufficient to determine the role of this variant in disease. Therefore, it has been classified as a Variant of Uncertain Significance.

Ambry Genetics
Classification: Uncertain significance for Hereditary cancer-predisposing syndrome. Last evaluated: 2025-10-11. Review status: criteria provided, single submitter. Criteria: Ambry Variant Classification Scheme 2023. Collection method: clinical testing. Allele origin: germline.
Comment: The p.I445V variant (also known as c.1333A>G), located in coding exon 12 of the EGFR gene, results from an A to G substitution at nucleotide position 1333. The isoleucine at codon 445 is replaced by valine, an amino acid with highly similar properties. This amino acid position is conserved. In addition, this alteration is predicted to be tolerated by in silico analysis. Based on the available evidence, the clinical significance of this variant remains unclear.

Fulgent Genetics
Classification: Uncertain significance for Lung cancer; Inflammatory skin and bowel disease, neonatal, 2. Last evaluated: 2024-04-26. Review status: criteria provided, single submitter. Criteria: ACMG Guidelines, 2015. Collection method: clinical testing. Allele origin: germline.

NM_005228.5(EGFR):c.1333A>G (p.Ile445Val)

Gene: EGFR (epidermal growth factor receptor; plus strand). Cytogenetic location: 7p11.2.
Variant type: single nucleotide variant.
Coding change: c.1333A>G on transcript NM_005228.5 (MANE Select); coding-DNA position 1333, A replaced by G.
Protein change: p.Ile445Val; replaces isoleucine 445 with valine.
Molecular consequence: missense variant.
Genome position (GRCh38, 1-based): chr7:55,160,173, A>G. VCF-style: chr7-55160173-A-G. GRCh37 (hg19) VCF-style: chr7-55227866-A-G.
Other names: c.1198A>G, p.Ile400Val (NM_001346897.2, NM_001346899.2); c.1333A>G, p.Ile445Val (NM_001346898.2, NM_201282.2, NM_201284.2); c.1174A>G, p.Ile392Val (NM_001346900.2); c.532A>G, p.Ile178Val (NM_001346941.2); short protein forms I400V, I445V, I392V, I178V.
Identifiers: ClinVar variation 936647 (VCV000936647.9), dbSNP rs372990493, ClinGen allele CA158917067.